The following is an entry in ClinVar:

NM_001024630.4(RUNX2):c.234G>A (p.Ala78=)

Genes: RUNX2 (RUNX family transcription factor 2; plus strand), LOC109611589 (runt related transcription factor 2 polyalanine expansion region; plus strand). Cytogenetic location: 6p21.1.
Variant type: single nucleotide variant.
Coding change: c.234G>A on transcript NM_001024630.4 (MANE Select); coding-DNA position 234, G replaced by A.
Protein change: p.Ala78=; no amino-acid change (alanine 78 retained).
Molecular consequence: synonymous variant.
Genome position (GRCh38, 1-based): chr6:45,422,768, G>A. VCF-style: chr6-45422768-G-A. GRCh37 (hg19) VCF-style: chr6-45390505-G-A.
Other names: c.234G>A, p.Ala78= (NM_001015051.4); c.192G>A, p.Ala64= (NM_001278478.2, NM_001369405.1).
Identifiers: ClinVar variation 357090 (VCV000357090.5), dbSNP rs886061493, ClinGen allele CA3836340.
Genomic context (GRCh38, chr6:45,422,768, plus strand): 5'-ACAGCAGCAGCAGCAGCAGCAACAGCAGCAGCAGCAGCAGGAGGCGGCGGCGGCGGCTGC[G>A]GCGGCGGCGGCGGCTGCGGCGGCGGCAGCTGCAGTGCCCCGGTTGCGGCCGCCCCACGAC-3'
Protein context (NP_001019801.3, residues 68-88): QQQQEAAAAA[Ala78=]AAAAAAAAAA

ClinVar aggregate classification (germline): Likely benign (1 of 4 stars; one submission).

Conditions:
Cleidocranial dysostosis (CLCD1). Also called: cleidocranial dysplasia 1; Marie-Sainton disease; Cleidocranial Dysplasia Spectrum Disorder. Identifiers: Orphanet 1452, MedGen C0008928, MONDO:0007340, OMIM 119600.

gnomAD v4.1: 19 of 1,343,714 alleles (0.0014%); highest among the groups gnomAD compares: South Asian, 0.03%; no homozygotes.

Submission:

Illumina Laboratory Services, Illumina
Classification: Likely benign for Cleidocranial dysostosis. Last evaluated: 2018-01-13. Review status: criteria provided, single submitter. Criteria: ICSL Variant Classification Criteria 13 December 2019. Collection method: clinical testing. Allele origin: germline.
Comment: This variant was observed in the ICSL laboratory as part of a predisposition screen in an ostensibly healthy population. It had not been previously curated by ICSL or reported in the Human Gene Mutation Database (HGMD: prior to June 1st, 2018), and was therefore a candidate for classification through an automated scoring system. Utilizing variant allele frequency, disease prevalence and penetrance estimates, and inheritance mode, an automated score was calculated to assess if this variant is too frequent to cause the disease. Based on the score and internal cut-off values, a variant classified as likely benign is not then subjected to further curation. The score for this variant resulted in a classification of likely benign for this disease.